The following is an entry in ClinVar:

ClinVar aggregate classification (germline): Uncertain significance. Review status: criteria provided, multiple submitters, no conflicts (2 of 4 stars). 3 submissions from 3 submitters: Uncertain significance (3). Last evaluated 2025-09-05.

Conditions:
Mendelian susceptibility to mycobacterial diseases due to complete ISG15 deficiency. Also called: IMMUNODEFICIENCY 38, MYCOBACTERIOSIS, AUTOSOMAL RECESSIVE; ISG15 DEFICIENCY, AUTOSOMAL RECESSIVE; Immunodeficiency 38 with basal ganglia calcification; Immunodeficiency 38. Identifiers: Orphanet 319563, MedGen C4015293, MONDO:0014502, OMIM 616126.

Allele frequency attached by ClinVar (database versions not stated): gnomAD 0.00001; gnomAD exomes 0.00001 and 0.00002; TOPMed 0.00001; ExAC 0.00003.

Submissions (3):

Ambry Genetics
Classification: Uncertain significance. Last evaluated: 2025-09-05. Review status: criteria provided, single submitter. Criteria: Ambry Variant Classification Scheme 2023. Collection method: clinical testing. Allele origin: germline.

Labcorp Genetics (formerly Invitae), Labcorp
Classification: Uncertain significance for Mendelian susceptibility to mycobacterial diseases due to complete ISG15 deficiency. Last evaluated: 2021-09-02. Review status: criteria provided, single submitter. Criteria: Invitae Variant Classification Sherloc (09022015). Collection method: clinical testing. Allele origin: germline.
Comment: This sequence change replaces proline with leucine at codon 81 of the ISG15 protein (p.Pro81Leu). The proline residue is moderately conserved and there is a moderate physicochemical difference between proline and leucine. This variant is present in population databases (rs764675171, ExAC 0.01%). This variant has not been reported in the literature in individuals affected with ISG15-related conditions. Algorithms developed to predict the effect of missense changes on protein structure and function are either unavailable or do not agree on the potential impact of this missense change (SIFT: "Deleterious"; PolyPhen-2: "Benign"; Align-GVGD: "Class C0"). In summary, the available evidence is currently insufficient to determine the role of this variant in disease. Therefore, it has been classified as a Variant of Uncertain Significance.

Breakthrough Genomics
Classification: Uncertain significance. Review status: criteria provided, single submitter. Criteria: ACMG Guidelines, 2015. Collection method: not provided. Allele origin: germline. Inheritance: Autosomal recessive inheritance. Affected: yes.

NM_005101.4(ISG15):c.242C>T (p.Pro81Leu)

Gene: ISG15 (ISG15 ubiquitin like modifier; plus strand). Cytogenetic location: 1p36.33.
Variant type: single nucleotide variant.
Coding change: c.242C>T on transcript NM_005101.4 (MANE Select); coding-DNA position 242, C replaced by T.
Protein change: p.Pro81Leu; replaces proline 81 with leucine.
Molecular consequence: missense variant.
Genome position (GRCh38, 1-based): chr1:1,014,222, C>T. VCF-style: chr1-1014222-C-T. GRCh37 (hg19) VCF-style: chr1-949602-C-T.
Other names: c.242C>T, p.Pro81Leu (LRG_1231t1); short protein forms P81L.
Identifiers: ClinVar variation 655870 (VCV000655870.9), dbSNP rs764675171, ClinGen allele CA507656.